The following is an entry in ClinVar:

ClinVar aggregate classification (germline): Uncertain significance. Review status: criteria provided, multiple submitters, no conflicts (2 of 4 stars). 2 submissions from 2 submitters: Uncertain significance (2). Last evaluated 2025-06-09.

Conditions:
Inborn genetic diseases. Identifiers: MedGen C0950123, MeSH D030342.

gnomAD v4.1: 1 of 1,614,098 alleles (0.000062%); highest among the groups gnomAD compares: Admixed American, 0.0017%; no homozygotes.

Submissions (2):

Ambry Genetics
Classification: Uncertain significance for Inborn genetic diseases. Last evaluated: 2025-06-09. Review status: criteria provided, single submitter. Criteria: Ambry Variant Classification Scheme 2023. Collection method: clinical testing. Allele origin: germline.

Labcorp Genetics (formerly Invitae), Labcorp
Classification: Uncertain significance. Last evaluated: 2025-03-31. Review status: criteria provided, single submitter. Criteria: Invitae Variant Classification Sherloc (09022015). Collection method: clinical testing. Allele origin: germline.
Comment: This sequence change replaces glutamic acid, which is acidic and polar, with aspartic acid, which is acidic and polar, at codon 1639 of the MYH3 protein (p.Glu1639Asp). This variant is not present in population databases (gnomAD no frequency). This variant has not been reported in the literature in individuals affected with MYH3-related conditions. ClinVar contains an entry for this variant (Variation ID: 2059183). Invitae Evidence Modeling of protein sequence and biophysical properties (such as structural, functional, and spatial information, amino acid conservation, physicochemical variation, residue mobility, and thermodynamic stability) indicates that this missense variant is not expected to disrupt MYH3 protein function with a negative predictive value of 95%. In summary, the available evidence is currently insufficient to determine the role of this variant in disease. Therefore, it has been classified as a Variant of Uncertain Significance.

NM_002470.4(MYH3):c.4917G>T (p.Glu1639Asp)

Gene: MYH3 (myosin heavy chain 3; minus strand). Cytogenetic location: 17p13.1.
Variant type: single nucleotide variant.
Coding change: c.4917G>T on transcript NM_002470.4 (MANE Select); coding-DNA position 4917, G replaced by T.
Protein change: p.Glu1639Asp; replaces glutamic acid 1639 with aspartic acid.
Molecular consequence: missense variant.
Genome position (GRCh38, 1-based): chr17:10,632,515, C>A on the plus strand (G>T on the coding strand, the complement: MYH3 is on the minus strand). VCF-style: chr17-10632515-C-A. GRCh37 (hg19) VCF-style: chr17-10535832-C-A.
Other names: c.4917G>T (NM_002470.3); short protein forms E1639D.
Identifiers: ClinVar variation 2059183 (VCV002059183.5), dbSNP rs2074172819, ClinGen allele CA398136252.